The following is an entry in ClinVar:

NM_000365.6(TPI1):c.417C>T (p.Ile139=)

Gene: TPI1 (triosephosphate isomerase 1; plus strand). Cytogenetic location: 12p13.31.
Variant type: single nucleotide variant.
Coding change: c.417C>T on transcript NM_000365.6 (MANE Select); coding-DNA position 417, C replaced by T.
Protein change: p.Ile139=; no amino-acid change (isoleucine 139 retained).
Molecular consequence: synonymous variant.
Genome position (GRCh38, 1-based): chr12:6,869,350, C>T. VCF-style: chr12-6869350-C-T. GRCh37 (hg19) VCF-style: chr12-6978514-C-T.
Other names: c.528C>T, p.Ile176= (NM_001159287.1); c.171C>T, p.Ile57= (NM_001258026.2).
Identifiers: ClinVar variation 3041165 (VCV003041165.2), dbSNP rs782014411, ClinGen allele CA6418925.

ClinVar aggregate classification (germline): Likely benign (0 of 4 stars; one submission).

Conditions:
TPI1-related disorder. Also called: TPI1-related condition.

Allele frequency attached by ClinVar (database versions not stated): ExAC 0.00001; gnomAD 0.00001; gnomAD exomes 0.00001; TOPMed 0.00001.
gnomAD v4.1: 13 of 1,614,100 alleles (0.00081%); highest among the groups gnomAD compares: Middle Eastern, 0.033%; no homozygotes.

Submission:

PreventionGenetics, part of Exact Sciences
Classification: Likely benign for TPI1-related condition. Last evaluated: 2019-05-13. Review status: no assertion criteria provided. Collection method: clinical testing. Allele origin: germline.
Comment: This variant is classified as likely benign based on ACMG/AMP sequence variant interpretation guidelines (Richards et al. 2015 PMID: 25741868, with internal and published modifications).